The following is an entry in ClinVar:

NM_006393.3(NEBL):c.1640G>C (p.Arg547Pro)

Gene: NEBL (nebulette; minus strand). Cytogenetic location: 10p12.31.
Variant type: single nucleotide variant.
Coding change: c.1640G>C on transcript NM_006393.3 (MANE Select); coding-DNA position 1640, G replaced by C.
Protein change: p.Arg547Pro; replaces arginine 547 with proline.
Molecular consequence: missense variant. On other transcripts: intron variant (9).
Genome position (GRCh38, 1-based): chr10:20,831,227, C>G on the plus strand (G>C on the coding strand, the complement: NEBL is on the minus strand). VCF-style: chr10-20831227-C-G. GRCh37 (hg19) VCF-style: chr10-21120156-C-G.
Other names: c.250-18287G>C (NM_001377326.1, NM_001377327.1, NM_001377328.1); c.358-18287G>C (NM_213569.2, NM_001173484.2, NM_001377322.1); c.301-18287G>C (NM_001377324.1); c.292-18287G>C (NM_001377325.1); c.310-18287G>C (NM_001377323.1); short protein forms R547P.
Identifiers: ClinVar variation 1777034 (VCV001777034.6), dbSNP rs747238199, ClinGen allele CA376097099.

ClinVar aggregate classification (germline): Uncertain significance. Review status: criteria provided, multiple submitters, no conflicts (2 of 4 stars). 2 submissions from 2 submitters: Uncertain significance (2). Last evaluated 2025-09-28.

Conditions:
Primary dilated cardiomyopathy (DCM). Also called: Dilated Cardiomyopathy. Identifiers: Orphanet 217604, MedGen C0007193, MeSH D002311, MONDO:0005021, HP:0001644. Inheritance: Various modes of inheritance.

gnomAD v4.1: 21 of 1,613,238 alleles (0.0013%); highest among the groups gnomAD compares: Non-Finnish European, 0.0018%; no homozygotes.

Submissions (2):

Ambry Genetics
Classification: Uncertain significance. Last evaluated: 2025-09-28. Review status: criteria provided, single submitter. Criteria: Ambry Variant Classification Scheme 2023. Collection method: clinical testing. Allele origin: germline.

Labcorp Genetics (formerly Invitae), Labcorp
Classification: Uncertain significance for Primary dilated cardiomyopathy. Last evaluated: 2025-06-14. Review status: criteria provided, single submitter. Criteria: Invitae Variant Classification Sherloc (09022015). Collection method: clinical testing. Allele origin: germline.
Comment: This sequence change replaces arginine, which is basic and polar, with proline, which is neutral and non-polar, at codon 547 of the NEBL protein (p.Arg547Pro). This variant is present in population databases (no rsID available, gnomAD 0.02%). This variant has not been reported in the literature in individuals affected with NEBL-related conditions. ClinVar contains an entry for this variant (Variation ID: 1777034). An algorithm developed to predict the effect of missense changes on protein structure and function (PolyPhen-2) suggests that this variant is likely to be disruptive. In summary, the available evidence is currently insufficient to determine the role of this variant in disease. Therefore, it has been classified as a Variant of Uncertain Significance.